The following is an entry in ClinVar:

ClinVar aggregate classification (germline): Uncertain significance (1 of 4 stars; one submission).

Submission:

Ambry Genetics
Classification: Uncertain significance. Last evaluated: 2024-09-18. Review status: criteria provided, single submitter. Criteria: Ambry Variant Classification Scheme 2023. Collection method: clinical testing. Allele origin: germline.
Comment: The p.S597N variant (also known as c.1790G>A), located in coding exon 1 of the MLH3 gene, results from a G to A substitution at nucleotide position 1790. The serine at codon 597 is replaced by asparagine, an amino acid with highly similar properties. This amino acid position is conserved. In addition, this alteration is predicted to be tolerated by in silico analysis. Based on the available evidence, the clinical significance of this variant remains unclear.

NM_001040108.2(MLH3):c.1790G>A (p.Ser597Asn)

Gene: MLH3 (mutL homolog 3; minus strand). Cytogenetic location: 14q24.3.
Variant type: single nucleotide variant.
Coding change: c.1790G>A on transcript NM_001040108.2 (MANE Select); coding-DNA position 1790, G replaced by A.
Protein change: p.Ser597Asn; replaces serine 597 with asparagine.
Molecular consequence: missense variant.
Genome position (GRCh38, 1-based): chr14:75,047,866, C>T on the plus strand (G>A on the coding strand, the complement: MLH3 is on the minus strand). VCF-style: chr14-75047866-C-T. GRCh37 (hg19) VCF-style: chr14-75514569-C-T.
Other names: c.1790G>A, p.Ser597Asn (NM_014381.3); short protein forms S597N.
Identifiers: ClinVar variation 3396723 (VCV003396723.1).